The following is an entry in ClinVar:

NM_000273.3(GPR143):c.686G>A (p.Gly229Asp)

Gene: GPR143 (G protein-coupled receptor 143; minus strand). Cytogenetic location: Xp22.2.
Variant type: single nucleotide variant.
Coding change: c.686G>A on transcript NM_000273.3 (MANE Select); coding-DNA position 686, G replaced by A.
Protein change: p.Gly229Asp; replaces glycine 229 with aspartic acid.
Molecular consequence: missense variant.
Genome position (GRCh38, 1-based): chrX:9,743,646, C>T on the plus strand (G>A on the coding strand, the complement: GPR143 is on the minus strand). VCF-style: chrX-9743646-C-T. GRCh37 (hg19) VCF-style: chrX-9711686-C-T.
Other names: short protein forms G229D.
Identifiers: ClinVar variation 3345250 (VCV003345250.2).

ClinVar aggregate classification (germline): Likely pathogenic (1 of 4 stars; one submission).

Conditions:
GPR143-related disorder. Also called: GPR143-related condition.

Submission:

PreventionGenetics, part of Exact Sciences
Classification: Likely pathogenic for GPR143-related condition. Last evaluated: 2025-11-18. Review status: criteria provided, single submitter. Criteria: ACMG Guidelines, 2015. Collection method: clinical testing. Allele origin: germline.
Comment: The GPR143 c.686G>A variant is predicted to result in the amino acid substitution p.Gly229Asp. To our knowledge, this variant has not been reported in the literature. This variant was found to segregate with disease in two affected brothers and one unaffected brother in a kindred undergoing testing for ocular albinism (PreventionGenetics internal data). An alternate substitution of this amino acid residue (p.Gly229Val) has been reported in an individual with albinism; however, functional assays showed that this substitution did not alter the protein activity (d'Addio et al. 2000. PubMed ID: 11115845). Additionally, a substitution of an adjacent amino acid (p.Ile230Val) has been reported in a large cohort study of albinism (Table S4, Wei et al. 2022. PubMed ID: 34838614). This variant is predicted damaging to the encoded protein (Liu et al. 2016. PMID:26555599). This variant is absent in a large population database, indicating this variant is rare. Given the evidence, we interpret this variant as likely pathogenic.